The following is an entry in ClinVar:

NM_014989.7(RIMS1):c.806G>A (p.Arg269Lys)

Gene: RIMS1 (regulating synaptic membrane exocytosis 1; plus strand). Cytogenetic location: 6q13.
Variant type: single nucleotide variant.
Coding change: c.806G>A on transcript NM_014989.7 (MANE Select); coding-DNA position 806, G replaced by A.
Protein change: p.Arg269Lys; replaces arginine 269 with lysine.
Molecular consequence: missense variant.
Genome position (GRCh38, 1-based): chr6:72,179,909, G>A. VCF-style: chr6-72179909-G-A. GRCh37 (hg19) VCF-style: chr6-72889612-G-A.
Other names: short protein forms R269K.
Identifiers: ClinVar variation 1976712 (VCV001976712.5), dbSNP rs1371250054, ClinGen allele CA364818937.

ClinVar aggregate classification (germline): Uncertain significance (1 of 4 stars; one submission).

gnomAD v4.1: 8 of 1,492,320 alleles (0.00054%); highest among the groups gnomAD compares: African/African-American, 0.0028%; no homozygotes.

Submission:

Labcorp Genetics (formerly Invitae), Labcorp
Classification: Uncertain significance. Last evaluated: 2025-12-17. Review status: criteria provided, single submitter. Criteria: Invitae Variant Classification Sherloc (09022015). Collection method: clinical testing. Allele origin: germline.
Comment: This sequence change replaces arginine, which is basic and polar, with lysine, which is basic and polar, at codon 269 of the RIMS1 protein (p.Arg269Lys). The frequency data for this variant in the population databases is considered unreliable, as metrics indicate poor data quality at this position in the gnomAD database. This variant has not been reported in the literature in individuals affected with RIMS1-related conditions. ClinVar contains an entry for this variant (Variation ID: 1976712). An algorithm developed to predict the effect of missense changes on protein structure and function (PolyPhen-2) suggests that this variant is likely to be tolerated. In summary, the available evidence is currently insufficient to determine the role of this variant in disease. Therefore, it has been classified as a Variant of Uncertain Significance.